The following is an entry in ClinVar:

ClinVar aggregate classification (germline): Benign/Likely benign. Review status: criteria provided, multiple submitters, no conflicts (2 of 4 stars). 6 submissions from 6 submitters: Benign (2); Likely benign (2). 2 of the submissions do not count toward it. Last evaluated 2026-08-01.

Conditions:
Inborn genetic diseases. Identifiers: MedGen C0950123, MeSH D030342.

Allele frequency attached by ClinVar (database versions not stated): 1000 Genomes Project 0.00120; 1000 Genomes Project 30x 0.00141; ESP Exome Variant Server 0.00331; ExAC 0.00355; TOPMed 0.00377; gnomAD 0.00380 and 0.00396; gnomAD exomes 0.00397 and 0.00493.

Submissions (6):

CeGaT Center for Human Genetics Tuebingen
Classification: Likely benign. Last evaluated: 2026-08-01. Review status: criteria provided, single submitter. Criteria: CeGaT Center For Human Genetics Tuebingen Variant Classification Criteria Version 2. Collection method: clinical testing. Allele origin: germline. Affected: yes. Observed: 21 variant alleles.
Comment: WDR81: BS2

Mayo Clinic Laboratories, Mayo Clinic
Classification: Benign. Last evaluated: 2025-11-07. Review status: criteria provided, single submitter. Criteria: ACMG Guidelines, 2015. Collection method: clinical testing. Allele origin: germline. Observed: 4 variant alleles.
Comment: BA1, BS2

Ambry Genetics
Classification: Benign for Inborn genetic diseases. Last evaluated: 2022-09-28. Review status: criteria provided, single submitter. Criteria: Ambry Variant Classification Scheme 2023. Collection method: clinical testing. Allele origin: germline.

Labcorp Genetics (formerly Invitae), Labcorp
Classification: Likely benign. Last evaluated: 2019-12-31. Review status: criteria provided, single submitter. Criteria: Invitae Variant Classification Sherloc (09022015). Collection method: clinical testing. Allele origin: germline.

Clinical Genetics DNA and cytogenetics Diagnostics Lab, Erasmus MC, Erasmus Medical Center
Classification: Benign. Review status: no assertion criteria provided. Collection method: clinical testing. Allele origin: germline. Affected: yes. Study: VKGL Data-share Consensus. Not counted in ClinVar's aggregate classification.

Genome Diagnostics Laboratory, University Medical Center Utrecht
Classification: Likely benign. Review status: no assertion criteria provided. Collection method: clinical testing. Allele origin: germline. Affected: yes. Study: VKGL Data-share Consensus. Not counted in ClinVar's aggregate classification.

Literature cited by the submitters: PubMed 27528516 (cited by Mayo Clinic Laboratories, Mayo Clinic).

NM_001163809.2(WDR81):c.4843G>A (p.Gly1615Arg)

Gene: WDR81 (WD repeat domain 81; plus strand). Cytogenetic location: 17p13.3.
Variant type: single nucleotide variant.
Coding change: c.4843G>A on transcript NM_001163809.2 (MANE Select); coding-DNA position 4843, G replaced by A.
Protein change: p.Gly1615Arg; replaces glycine 1615 with arginine.
Molecular consequence: missense variant.
Genome position (GRCh38, 1-based): chr17:1,733,880, G>A. VCF-style: chr17-1733880-G-A. GRCh37 (hg19) VCF-style: chr17-1637174-G-A.
Other names: p.Gly1615Arg; c.1234G>A, p.Gly412Arg (NM_001163673.2); c.1162G>A, p.Gly388Arg (NM_001163811.2); c.1690G>A, p.Gly564Arg (NM_152348.4); short protein forms G388R, G412R, G564R, G1615R.
Identifiers: ClinVar variation 774343 (VCV000774343.50), dbSNP rs143688446, ClinGen allele CA8273685.